The following is an entry in ClinVar:

ClinVar aggregate classification (germline): Uncertain significance. Review status: criteria provided, multiple submitters, no conflicts (2 of 4 stars). 2 submissions from 2 submitters: Uncertain significance (2). Last evaluated 2025-06-14.

Conditions:
Symmetrical dyschromatosis of extremities (DSH). Also called: RETICULATE ACROPIGMENTATION OF DOHI; SYMMETRIC DYSCHROMATOSIS OF THE EXTREMITIES; DYSCHROMATOSIS SYMMETRICA HEREDITARIA 1; Dyschromatosis symmetrica hereditaria. Identifiers: Orphanet 41, MedGen C0406775, MONDO:0007483, OMIM 127400.
Aicardi-Goutieres syndrome 6 (AGS6). Identifiers: Orphanet 51, MedGen C3539013, MONDO:0014007, OMIM 615010.

Allele frequency attached by ClinVar (database versions not stated): gnomAD 0.00001; TOPMed below 0.00001; gnomAD exomes below 0.00001.
gnomAD v4.1: 3 of 1,613,862 alleles (0.00019%); highest among the groups gnomAD compares: East Asian, 0.0022%; no homozygotes.

Submissions (2):

Labcorp Genetics (formerly Invitae), Labcorp
Classification: Uncertain significance for Aicardi-Goutieres syndrome 6; Symmetrical dyschromatosis of extremities. Last evaluated: 2025-06-14. Review status: criteria provided, single submitter. Criteria: Invitae Variant Classification Sherloc (09022015). Collection method: clinical testing. Allele origin: germline.
Comment: This sequence change replaces aspartic acid, which is acidic and polar, with asparagine, which is neutral and polar, at codon 978 of the ADAR protein (p.Asp978Asn). This variant is present in population databases (no rsID available, gnomAD 0.006%). This variant has not been reported in the literature in individuals affected with ADAR-related conditions. ClinVar contains an entry for this variant (Variation ID: 1465620). Invitae Evidence Modeling of protein sequence and biophysical properties (such as structural, functional, and spatial information, amino acid conservation, physicochemical variation, residue mobility, and thermodynamic stability) indicates that this missense variant is not expected to disrupt ADAR protein function with a negative predictive value of 80%. In summary, the available evidence is currently insufficient to determine the role of this variant in disease. Therefore, it has been classified as a Variant of Uncertain Significance.

Dasa
Classification: Uncertain significance. Last evaluated: 2025-04-04. Review status: criteria provided, single submitter. Criteria: DASA Assertion Criteria. Collection method: clinical testing. Allele origin: germline.
Comment: NM_001111.5(ADAR):c.2932G>A (p.Asp978Asn) is a missense variant that results in the substitution of aspartic acid with asparagine. This variant is rare in population databases. Computational prediction algorithms are consistent with a benign effect. The currently available literature and clinical evidence are not sufficient to establish a definitive association between this variant and the reported condition. Therefore, this variant is classified as a variant of uncertain significance.

NM_001111.5(ADAR):c.2932G>A (p.Asp978Asn)

Gene: ADAR (adenosine deaminase RNA specific; minus strand). Cytogenetic location: 1q21.3.
Variant type: single nucleotide variant.
Coding change: c.2932G>A on transcript NM_001111.5 (MANE Select); coding-DNA position 2932, G replaced by A.
Protein change: p.Asp978Asn; replaces aspartic acid 978 with asparagine.
Molecular consequence: missense variant.
Genome position (GRCh38, 1-based): chr1:154,588,212, C>T on the plus strand (G>A on the coding strand, the complement: ADAR is on the minus strand). VCF-style: chr1-154588212-C-T. GRCh37 (hg19) VCF-style: chr1-154560688-C-T.
Other names: c.2047G>A, p.Asp683Asn (NM_001025107.3, NM_001193495.2, NM_001365046.1 and 2 more transcripts); c.2959G>A, p.Asp987Asn (NM_001365045.1); c.1969G>A, p.Asp657Asn (NM_001365049.1); c.2854G>A, p.Asp952Asn (NM_015840.4); c.2797G>A, p.Asp933Asn (NM_015841.4); short protein forms D933N, D952N, D978N, D987N, D657N, D683N.
Identifiers: ClinVar variation 1465620 (VCV001465620.10), dbSNP rs1288413218, ClinGen allele CA342636111.